The following is an entry in ClinVar:

NM_020699.4(GATAD2B):c.68A>C (p.Glu23Ala)

Gene: GATAD2B (GATA zinc finger domain containing 2B; minus strand). Cytogenetic location: 1q21.3.
Variant type: single nucleotide variant.
Coding change: c.68A>C on transcript NM_020699.4 (MANE Select); coding-DNA position 68, A replaced by C.
Protein change: p.Glu23Ala; replaces glutamic acid 23 with alanine.
Molecular consequence: missense variant.
Genome position (GRCh38, 1-based): chr1:153,828,280, T>G on the plus strand (A>C on the coding strand, the complement: GATAD2B is on the minus strand). VCF-style: chr1-153828280-T-G. GRCh37 (hg19) VCF-style: chr1-153800756-T-G.
Other names: short protein forms E23A.
Identifiers: ClinVar variation 2705888 (VCV002705888.4), dbSNP rs759771188, ClinGen allele CA1120927.

ClinVar aggregate classification (germline): Uncertain significance. Review status: criteria provided, multiple submitters, no conflicts (2 of 4 stars). 2 submissions from 2 submitters: Uncertain significance (2). Last evaluated 2023-12-27.

Allele frequency attached by ClinVar (database versions not stated): ExAC 0.00001.
gnomAD v4.1: 1 of 1,613,896 alleles (0.000062%); highest among the groups gnomAD compares: South Asian, 0.0011%; no homozygotes.

Submissions (2):

Labcorp Genetics (formerly Invitae), Labcorp
Classification: Uncertain significance. Last evaluated: 2023-12-27. Review status: criteria provided, single submitter. Criteria: Invitae Variant Classification Sherloc (09022015). Collection method: clinical testing. Allele origin: germline.
Comment: This sequence change replaces glutamic acid, which is acidic and polar, with alanine, which is neutral and non-polar, at codon 23 of the GATAD2B protein (p.Glu23Ala). This variant is present in population databases (rs759771188, gnomAD 0.003%). This variant has not been reported in the literature in individuals affected with GATAD2B-related conditions. Advanced modeling of protein sequence and biophysical properties (such as structural, functional, and spatial information, amino acid conservation, physicochemical variation, residue mobility, and thermodynamic stability) performed at Invitae indicates that this missense variant is not expected to disrupt GATAD2B protein function with a negative predictive value of 80%. In summary, the available evidence is currently insufficient to determine the role of this variant in disease. Therefore, it has been classified as a Variant of Uncertain Significance.

Blueprint Genetics
Classification: Uncertain significance. Last evaluated: 2022-06-27. Review status: criteria provided, single submitter. Criteria: ACMG Guidelines, 2015. Collection method: clinical testing. Allele origin: germline.